The following is an entry in ClinVar:

ClinVar aggregate classification (germline): Likely pathogenic (1 of 4 stars; one submission).

Conditions:
Autosomal recessive nonsyndromic hearing loss 124. Also called: DEAFNESS, AUTOSOMAL RECESSIVE 124. Identifiers: MedGen C5935612, MONDO:0968981, OMIM 620794.

Submission:

First Genomix Gene Laboratory, Genetic Diagnostics Department
Classification: Likely pathogenic for Autosomal recessive nonsyndromic hearing loss 124. Last evaluated: 2025-05-29. Review status: criteria provided, single submitter. Criteria: ACMG Guidelines, 2015. Collection method: clinical testing. Allele origin: germline. Inheritance: Autosomal recessive inheritance. Affected: no. Observed: 1 variant allele.

NM_177531.6(PKHD1L1):c.1127C>A (p.Ser376Ter)

Gene: PKHD1L1 (PKHD1 like 1; plus strand). Cytogenetic location: 8q23.1.
Variant type: single nucleotide variant.
Coding change: c.1127C>A on transcript NM_177531.6 (MANE Select); coding-DNA position 1127, C replaced by A.
Protein change: p.Ser376Ter; replaces serine 376 with a stop codon.
Molecular consequence: nonsense.
Genome position (GRCh38, 1-based): chr8:109,400,190, C>A. VCF-style: chr8-109400190-C-A. GRCh37 (hg19) VCF-style: chr8-110412419-C-A.
Other names: short protein forms S376*.
Identifiers: ClinVar variation 4849417 (VCV004849417.1).